The following is an entry in ClinVar:

ClinVar aggregate classification (germline): Uncertain significance. Review status: criteria provided, multiple submitters, no conflicts (2 of 4 stars). 2 submissions from 2 submitters: Uncertain significance (2). Last evaluated 2024-02-29.

Conditions:
Inborn genetic diseases. Identifiers: MedGen C0950123, MeSH D030342.

Submissions (2):

GeneDx
Classification: Uncertain significance. Last evaluated: 2024-02-29. Review status: criteria provided, single submitter. Criteria: GeneDx Variant Classification Process June 2021. Collection method: clinical testing. Allele origin: germline. Affected: yes.
Comment: Not observed at significant frequency in large population cohorts (gnomAD); In silico analysis supports that this missense variant does not alter protein structure/function; Has not been previously published as pathogenic or benign to our knowledge

Ambry Genetics
Classification: Uncertain significance for Inborn genetic diseases. Last evaluated: 2021-07-27. Review status: criteria provided, single submitter. Criteria: Ambry Variant Classification Scheme 2023. Collection method: clinical testing. Allele origin: germline.

NM_004667.6(HERC2):c.7126C>A (p.Pro2376Thr)

Gene: HERC2 (HECT and RLD domain containing E3 ubiquitin protein ligase 2; minus strand). Cytogenetic location: 15q13.1.
Variant type: single nucleotide variant.
Coding change: c.7126C>A on transcript NM_004667.6 (MANE Select); coding-DNA position 7126, C replaced by A.
Protein change: p.Pro2376Thr; replaces proline 2376 with threonine.
Molecular consequence: missense variant.
Genome position (GRCh38, 1-based): chr15:28,206,326, G>T on the plus strand (C>A on the coding strand, the complement: HERC2 is on the minus strand). VCF-style: chr15-28206326-G-T. GRCh37 (hg19) VCF-style: chr15-28451472-G-T.
Other names: c.7126C>A (NM_004667.5); short protein forms P2376T.
Identifiers: ClinVar variation 2219200 (VCV002219200.3), dbSNP rs1206551765, ClinGen allele CA391397142.